The following is an entry in ClinVar:

NM_199420.4(POLQ):c.1364G>T (p.Arg455Leu)

Gene: POLQ (DNA polymerase theta; minus strand). Cytogenetic location: 3q13.33.
Variant type: single nucleotide variant.
Coding change: c.1364G>T on transcript NM_199420.4 (MANE Select); coding-DNA position 1364, G replaced by T.
Protein change: p.Arg455Leu; replaces arginine 455 with leucine.
Molecular consequence: missense variant.
Genome position (GRCh38, 1-based): chr3:121,519,975, C>A on the plus strand (G>T on the coding strand, the complement: POLQ is on the minus strand). VCF-style: chr3-121519975-C-A. GRCh37 (hg19) VCF-style: chr3-121238822-C-A.
Other names: short protein forms R455L.
Identifiers: ClinVar variation 1770905 (VCV001770905.2), dbSNP rs755736134, ClinGen allele CA354119427.

ClinVar aggregate classification (germline): Uncertain significance (1 of 4 stars; one submission).

Submission:

Ambry Genetics
Classification: Uncertain significance. Last evaluated: 2021-08-03. Review status: criteria provided, single submitter. Criteria: Ambry Variant Classification Scheme 2023. Collection method: clinical testing. Allele origin: germline.
Comment: The p.R455L variant (also known as c.1364G>T), located in coding exon 9 of the POLQ gene, results from a G to T substitution at nucleotide position 1364. The arginine at codon 455 is replaced by leucine, an amino acid with dissimilar properties. This amino acid position is conserved. In addition, this alteration is predicted to be deleterious by in silico analysis. Since supporting evidence is limited at this time, the clinical significance of this alteration remains unclear.